The following is an entry in ClinVar:

NM_000051.4(ATM):c.6520A>C (p.Ser2174Arg)

Genes: ATM (ATM serine/threonine kinase; plus strand), C11orf65 (chromosome 11 open reading frame 65; minus strand). Cytogenetic location: 11q22.3.
Variant type: single nucleotide variant.
Coding change: c.6520A>C on transcript NM_000051.4 (MANE Select); coding-DNA position 6520, A replaced by C.
Protein change: p.Ser2174Arg; replaces serine 2174 with arginine.
Molecular consequence: missense variant. On other transcripts: intron variant (2).
Genome position (GRCh38, 1-based): chr11:108,321,368, A>C. VCF-style: chr11-108321368-A-C. GRCh37 (hg19) VCF-style: chr11-108192095-A-C.
Other names: c.6520A>C, p.Ser2174Arg (NM_001351834.2); c.641-12297T>G (NM_001330368.2); c.*39-12297T>G (NM_001351110.2); short protein forms S2174R.
Identifiers: ClinVar variation 4539306 (VCV004539306.1).

ClinVar aggregate classification (germline): Uncertain significance (1 of 4 stars; one submission).

Submission:

Center for Genomic Medicine, Rigshospitalet, Copenhagen University Hospital
Classification: Uncertain significance. Last evaluated: 2025-12-29. Review status: criteria provided, single submitter. Criteria: ACMG Guidelines, 2015. Collection method: clinical testing. Allele origin: germline.
Comment: Classification criteria: BP4_protein, PP3_RNA, PM2_supporting